The following is an entry in ClinVar:

ClinVar aggregate classification (germline): Likely benign (0 of 4 stars; one submission).

Conditions:
NLRP2-related disorder. Also called: NLRP2-related condition.

Allele frequency attached by ClinVar (database versions not stated): gnomAD exomes 0.06060; ESP Exome Variant Server 0.07035; gnomAD 0.09419; TOPMed 0.09599; ExAC 0.09707; 1000 Genomes Project 30x 0.15974; 1000 Genomes Project 0.16434.
gnomAD v4.1: 104,210 of 1,613,766 alleles (6.5%); highest among the groups gnomAD compares: East Asian, 22%; 5,532 homozygotes.

Submission:

PreventionGenetics, part of Exact Sciences
Classification: Likely benign for NLRP2-related condition. Last evaluated: 2024-01-05. Review status: no assertion criteria provided. Collection method: clinical testing. Allele origin: germline.
Comment: This variant is classified as likely benign based on ACMG/AMP sequence variant interpretation guidelines (Richards et al. 2015 PMID: 25741868, with internal and published modifications).

NM_017852.5(NLRP2):c.1091G>A (p.Arg364Lys)

Gene: NLRP2 (NLR family pyrin domain containing 2; plus strand). Cytogenetic location: 19q13.42.
Variant type: single nucleotide variant.
Coding change: c.1091G>A on transcript NM_017852.5 (MANE Select); coding-DNA position 1091, G replaced by A.
Protein change: p.Arg364Lys; replaces arginine 364 with lysine.
Molecular consequence: missense variant. On other transcripts: non-coding transcript variant (1).
Genome position (GRCh38, 1-based): chr19:54,982,789, G>A. VCF-style: chr19-54982789-G-A. GRCh37 (hg19) VCF-style: chr19-55494157-G-A.
Other names: c.1091G>A, p.Arg364Lys (NM_001174081.3); c.1025G>A, p.Arg342Lys (NM_001174082.3); c.1022G>A, p.Arg341Lys (NM_001174083.2); c.1082G>A, p.Arg361Lys (NM_001348003.2); short protein forms R341K, R342K, R361K, R364K.
Identifiers: ClinVar variation 3061011 (VCV003061011.2), dbSNP rs4306647, ClinGen allele CA310103752.